The following is an entry in ClinVar:

ClinVar aggregate classification (germline): Benign/Likely benign. Review status: criteria provided, multiple submitters, no conflicts (2 of 4 stars). 5 submissions from 5 submitters: Benign (1); Likely benign (4). Last evaluated 2025-06-27.

Conditions:
Hereditary cancer-predisposing syndrome. Also called: Neoplastic Syndromes, Hereditary; Hereditary Cancer Syndrome; Tumor predisposition; Hereditary neoplastic syndrome. Identifiers: Orphanet 140162, MedGen C0027672, MeSH D009386, MONDO:0015356.
Familial cancer of breast. Also called: Hereditary breast cancer; BREAST CANCER, FAMILIAL; hereditary breast carcinoma. Identifiers: Orphanet 227535, MedGen C0346153, MONDO:0016419, OMIM 114480. Disease mechanism: loss of function.
Ataxia-telangiectasia syndrome (AT). Also called: LOUIS-BAR SYNDROME; Cerebello-oculocutaneous telangiectasia; Immunodeficiency with ataxia telangiectasia; Ataxia-telangiectasia, complementation group D; AT, COMPLEMENTATION GROUP C; Ataxia-telangiectasia, complementation group E. Identifiers: Orphanet 100, MedGen C0004135, MONDO:0008840, OMIM 208900.

Allele frequency attached by ClinVar (database versions not stated): gnomAD 0.00003; gnomAD exomes 0.00001.
gnomAD v4.1: 5 of 1,614,198 alleles (0.00031%); highest among the groups gnomAD compares: Non-Finnish European, 0.00017%; no homozygotes.

Submissions (5):

Athena Diagnostics
Classification: Likely benign. Last evaluated: 2025-06-27. Review status: criteria provided, single submitter. Criteria: Athena Diagnostics Criteria. Collection method: clinical testing. Allele origin: unknown.
Comment: Computational tools yielded predictions that this variant is unlikely to have an effect on normal RNA splicing. This nucleotide position exhibits low evolutionary conservation.

Myriad Genetics, Inc.
Classification: Benign for Familial cancer of breast. Last evaluated: 2024-06-14. Review status: criteria provided, single submitter. Criteria: Myriad Autosomal Dominant, Autosomal Recessive and X-Linked Classification Criteria (2023). Collection method: clinical testing. Allele origin: unknown.
Comment: This variant is considered benign. This variant is a silent/synonymous amino acid change and it is not expected to impact splicing.

Color Diagnostics, LLC DBA Color Health
Classification: Likely benign for Hereditary cancer-predisposing syndrome. Last evaluated: 2022-11-21. Review status: criteria provided, single submitter. Criteria: ACMG Guidelines, 2015. Collection method: clinical testing. Allele origin: germline.

Labcorp Genetics (formerly Invitae), Labcorp
Classification: Likely benign for Ataxia-telangiectasia syndrome. Last evaluated: 2022-10-19. Review status: criteria provided, single submitter. Criteria: Invitae Variant Classification Sherloc (09022015). Collection method: clinical testing. Allele origin: germline.

Ambry Genetics
Classification: Likely benign for Hereditary cancer-predisposing syndrome. Last evaluated: 2017-01-18. Review status: criteria provided, single submitter. Criteria: Ambry Variant Classification Scheme 2023. Collection method: clinical testing. Allele origin: germline.

NM_000051.4(ATM):c.7431A>T (p.Gly2477=)

Genes: ATM (ATM serine/threonine kinase; plus strand), C11orf65 (chromosome 11 open reading frame 65; minus strand). Cytogenetic location: 11q22.3.
Variant type: single nucleotide variant.
Coding change: c.7431A>T on transcript NM_000051.4 (MANE Select); coding-DNA position 7431, A replaced by T.
Protein change: p.Gly2477=; no amino-acid change (glycine 2477 retained).
Molecular consequence: synonymous variant. On other transcripts: intron variant (2).
Genome position (GRCh38, 1-based): chr11:108,330,337, A>T. VCF-style: chr11-108330337-A-T. GRCh37 (hg19) VCF-style: chr11-108201064-A-T.
Other names: c.7431A>T, p.Gly2477= (NM_001351834.2); c.641-21266T>A (NM_001330368.2); c.*38+4883T>A (NM_001351110.2).
Identifiers: ClinVar variation 479072 (VCV000479072.15), dbSNP rs1158876832, ClinGen allele CA476676933.